The following is an entry in ClinVar:

NM_001081.4(CUBN):c.536G>T (p.Gly179Val)

Gene: CUBN (cubilin; minus strand). Cytogenetic location: 10p13.
Variant type: single nucleotide variant.
Coding change: c.536G>T on transcript NM_001081.4 (MANE Select); coding-DNA position 536, G replaced by T.
Protein change: p.Gly179Val; replaces glycine 179 with valine.
Molecular consequence: missense variant.
Genome position (GRCh38, 1-based): chr10:17,122,852, C>A on the plus strand (G>T on the coding strand, the complement: CUBN is on the minus strand). VCF-style: chr10-17122852-C-A. GRCh37 (hg19) VCF-style: chr10-17164851-C-A.
Other names: short protein forms G179V.
Identifiers: ClinVar variation 648275 (VCV000648275.13), dbSNP rs370373276, ClinGen allele CA5425618.

ClinVar aggregate classification (germline): Uncertain significance. Review status: criteria provided, multiple submitters, no conflicts (2 of 4 stars). 4 submissions from 4 submitters: Uncertain significance (4). Last evaluated 2025-11-08.

Conditions:
Inborn genetic diseases. Identifiers: MedGen C0950123, MeSH D030342.
Imerslund-Grasbeck syndrome type 1 (IGS1). Also called: Megaloblastic anemia 1, Finnish type; MEGALOBLASTIC ANEMIA, 1; Imerslund-Gräsbeck syndrome 1. Identifiers: MedGen C4016819, MONDO:0100156, OMIM 261100.
Proteinuria, chronic benign. Identifiers: MedGen C5394384, MONDO:0030042, OMIM 618884.
Imerslund-Grasbeck syndrome. Also called: Megaloblastic anemia due to inborn errors of metabolism; ENTEROCYTE COBALAMIN MALABSORPTION; ENTEROCYTE INTRINSIC FACTOR RECEPTOR, DEFECT OF; Imerslund-Gräsbeck syndrome; PERNICIOUS ANEMIA, JUVENILE, DUE TO SELECTIVE INTESTINAL MALABSORPTION OF VITAMIN B12, WITH PROTEINURIA. Identifiers: Orphanet 35858, MedGen C4551825, MONDO:0009853.

Allele frequency attached by ClinVar (database versions not stated): TOPMed 0.00014; ESP Exome Variant Server 0.00008; ExAC 0.00012; gnomAD 0.00009; gnomAD exomes 0.00009.
gnomAD v4.1: 118 of 1,613,518 alleles (0.0073%); highest among the groups gnomAD compares: Middle Eastern, 0.016%; no homozygotes.

Submissions (4):

Ambry Genetics
Classification: Uncertain significance for Inborn genetic diseases. Last evaluated: 2025-11-08. Review status: criteria provided, single submitter. Criteria: Ambry Variant Classification Scheme 2023. Collection method: clinical testing. Allele origin: germline.

Labcorp Genetics (formerly Invitae), Labcorp
Classification: Uncertain significance for Imerslund-Grasbeck syndrome. Last evaluated: 2025-10-21. Review status: criteria provided, single submitter. Criteria: Invitae Variant Classification Sherloc (09022015). Collection method: clinical testing. Allele origin: germline.
Comment: This sequence change replaces glycine, which is neutral and non-polar, with valine, which is neutral and non-polar, at codon 179 of the CUBN protein (p.Gly179Val). This variant is present in population databases (rs370373276, gnomAD 0.02%). This variant has not been reported in the literature in individuals affected with CUBN-related conditions. ClinVar contains an entry for this variant (Variation ID: 648275). Invitae Evidence Modeling of protein sequence and biophysical properties (such as structural, functional, and spatial information, amino acid conservation, physicochemical variation, residue mobility, and thermodynamic stability) indicates that this missense variant is not expected to disrupt CUBN protein function with a negative predictive value of 80%. In summary, the available evidence is currently insufficient to determine the role of this variant in disease. Therefore, it has been classified as a Variant of Uncertain Significance.

Fulgent Genetics
Classification: Uncertain significance for Imerslund-Grasbeck syndrome type 1; Proteinuria, chronic benign. Last evaluated: 2022-01-29. Review status: criteria provided, single submitter. Criteria: ACMG Guidelines, 2015. Collection method: clinical testing. Allele origin: unknown.

Illumina Laboratory Services, Illumina
Classification: Uncertain significance for Imerslund-Grasbeck syndrome type 1. Last evaluated: 2018-01-13. Review status: criteria provided, single submitter. Criteria: ICSL Variant Classification Criteria 13 December 2019. Collection method: clinical testing. Allele origin: germline.